The following is an entry in ClinVar:

NM_004360.5(CDH1):c.1771A>G (p.Asn591Asp)

Gene: CDH1 (cadherin 1; plus strand). Cytogenetic location: 16q22.1.
Variant type: single nucleotide variant.
Coding change: c.1771A>G on transcript NM_004360.5 (MANE Select); coding-DNA position 1771, A replaced by G.
Protein change: p.Asn591Asp; replaces asparagine 591 with aspartic acid.
Molecular consequence: missense variant. On other transcripts: 5 prime UTR variant (1).
Genome position (GRCh38, 1-based): chr16:68,822,060, A>G. VCF-style: chr16-68822060-A-G. GRCh37 (hg19) VCF-style: chr16-68855963-A-G.
Other names: c.1588A>G, p.Asn530Asp (NM_001317184.2); c.223A>G, p.Asn75Asp (NM_001317185.2); c.-195A>G (NM_001317186.2); short protein forms N530D, N591D, N75D.
Identifiers: ClinVar variation 1040535 (VCV001040535.9), dbSNP rs751291956, ClinGen allele CA8130149.

ClinVar aggregate classification (germline): Uncertain significance. Review status: criteria provided, multiple submitters, no conflicts (2 of 4 stars). 2 submissions from 2 submitters: Uncertain significance (2). Last evaluated 2024-11-16.

Conditions:
Hereditary diffuse gastric adenocarcinoma (HDGC). Also called: DIFFUSE GASTRIC AND LOBULAR BREAST CANCER SYNDROME. Identifiers: Orphanet 26106, MedGen C1708349, MONDO:0007648, OMIM 137215.
Hereditary cancer-predisposing syndrome. Also called: Hereditary neoplastic syndrome; Neoplastic Syndromes, Hereditary; Tumor predisposition; Hereditary Cancer Syndrome. Identifiers: Orphanet 140162, MedGen C0027672, MeSH D009386, MONDO:0015356.

Allele frequency attached by ClinVar (database versions not stated): gnomAD exomes below 0.00001; ExAC 0.00001.
gnomAD v4.1: 1 of 1,614,160 alleles (0.000062%); highest among the groups gnomAD compares: Non-Finnish European, 0.000085%; no homozygotes.

Submissions (2):

Labcorp Genetics (formerly Invitae), Labcorp
Classification: Uncertain significance for Hereditary diffuse gastric adenocarcinoma. Last evaluated: 2024-11-16. Review status: criteria provided, single submitter. Criteria: Invitae Variant Classification Sherloc (09022015). Collection method: clinical testing. Allele origin: germline.
Comment: This sequence change replaces asparagine, which is neutral and polar, with aspartic acid, which is acidic and polar, at codon 591 of the CDH1 protein (p.Asn591Asp). This variant is present in population databases (rs751291956, gnomAD 0.0009%). This variant has not been reported in the literature in individuals affected with CDH1-related conditions. ClinVar contains an entry for this variant (Variation ID: 1040535). An algorithm developed to predict the effect of missense changes on protein structure and function (PolyPhen-2) suggests that this variant is likely to be tolerated. In summary, the available evidence is currently insufficient to determine the role of this variant in disease. Therefore, it has been classified as a Variant of Uncertain Significance.

Ambry Genetics
Classification: Uncertain significance for Hereditary cancer-predisposing syndrome. Last evaluated: 2022-01-31. Review status: criteria provided, single submitter. Criteria: Ambry Variant Classification Scheme 2023. Collection method: clinical testing. Allele origin: germline.
Comment: The p.N591D variant (also known as c.1771A>G), located in coding exon 12 of the CDH1 gene, results from an A to G substitution at nucleotide position 1771. The asparagine at codon 591 is replaced by aspartic acid, an amino acid with highly similar properties. This amino acid position is conserved. In addition, the in silico prediction for this alteration is inconclusive. Since supporting evidence is limited at this time, the clinical significance of this alteration remains unclear.